The following is an entry in ClinVar:

ClinVar aggregate classification (germline): Uncertain significance (1 of 4 stars; one submission).

Conditions:
Familial acute necrotizing encephalopathy (IIAE3). Also called: ENCEPHALOPATHY, ACUTE, INFECTION-INDUCED, SUSCEPTIBILITY TO, 3; Susceptibility to Acute Necrotizing Encephalopathy 1. Identifiers: Orphanet 88619, MedGen C2675556, MONDO:0011953, OMIM 608033.

Allele frequency attached by ClinVar (database versions not stated): gnomAD exomes below 0.00001 and 0.00002; TOPMed below 0.00001; gnomAD 0.00001.
gnomAD v4.1: 30 of 1,613,926 alleles (0.0019%); highest among the groups gnomAD compares: Non-Finnish European, 0.0024%; no homozygotes.

Submission:

Labcorp Genetics (formerly Invitae), Labcorp
Classification: Uncertain significance for Familial acute necrotizing encephalopathy. Last evaluated: 2024-12-16. Review status: criteria provided, single submitter. Criteria: Invitae Variant Classification Sherloc (09022015). Collection method: clinical testing. Allele origin: germline.
Comment: This sequence change replaces alanine, which is neutral and non-polar, with valine, which is neutral and non-polar, at codon 2648 of the RANBP2 protein (p.Ala2648Val). This variant is present in population databases (no rsID available, gnomAD 0.003%). This variant has not been reported in the literature in individuals affected with RANBP2-related conditions. ClinVar contains an entry for this variant (Variation ID: 853080). An algorithm developed to predict the effect of missense changes on protein structure and function (PolyPhen-2) suggests that this variant is likely to be disruptive. In summary, the available evidence is currently insufficient to determine the role of this variant in disease. Therefore, it has been classified as a Variant of Uncertain Significance.

NM_006267.5(RANBP2):c.7943C>T (p.Ala2648Val)

Gene: RANBP2 (RAN binding protein 2; plus strand). Cytogenetic location: 2q13.
Variant type: single nucleotide variant.
Coding change: c.7943C>T on transcript NM_006267.5 (MANE Select); coding-DNA position 7943, C replaced by T.
Protein change: p.Ala2648Val; replaces alanine 2648 with valine.
Molecular consequence: missense variant.
Genome position (GRCh38, 1-based): chr2:108,771,794, C>T. VCF-style: chr2-108771794-C-T. GRCh37 (hg19) VCF-style: chr2-109388250-C-T.
Other names: short protein forms A2648V.
Identifiers: ClinVar variation 853080 (VCV000853080.10), dbSNP rs1306346763, ClinGen allele CA348082257.